The following is an entry in ClinVar:

ClinVar aggregate classification (germline): Uncertain significance (1 of 4 stars; one submission).

Conditions:
Primary ciliary dyskinesia. Also called: Ciliary dyskinesia. Identifiers: Orphanet 244, MedGen C0008780, MONDO:0016575, HP:0012265.

Submission:

Labcorp Genetics (formerly Invitae), Labcorp
Classification: Uncertain significance for Primary ciliary dyskinesia. Last evaluated: 2025-11-25. Review status: criteria provided, single submitter. Criteria: Invitae Variant Classification Sherloc (09022015). Collection method: clinical testing. Allele origin: germline.
Comment: This sequence change replaces alanine, which is neutral and non-polar, with threonine, which is neutral and polar, at codon 12 of the DNAAF5 protein (p.Ala12Thr). This variant is not present in population databases (gnomAD no frequency). This variant has not been reported in the literature in individuals affected with DNAAF5-related conditions. Experimental studies and prediction algorithms are not available or were not evaluated, and the functional significance of this variant is currently unknown. In summary, the available evidence is currently insufficient to determine the role of this variant in disease. Therefore, it has been classified as a Variant of Uncertain Significance.

NM_017802.4(DNAAF5):c.34G>A (p.Ala12Thr)

Genes: PRKAR1B (protein kinase cAMP-dependent type I regulatory subunit beta; minus strand), DNAAF5 (dynein axonemal assembly factor 5; plus strand). Cytogenetic location: 7p22.3.
Variant type: single nucleotide variant.
Coding change: c.34G>A on transcript NM_017802.4 (MANE Select); coding-DNA position 34, G replaced by A.
Protein change: p.Ala12Thr; replaces alanine 12 with threonine.
Molecular consequence: missense variant. On other transcripts: non-coding transcript variant (1), intron variant (3).
Genome position (GRCh38, 1-based): chr7:726,754, G>A. VCF-style: chr7-726754-G-A. GRCh37 (hg19) VCF-style: chr7-766391-G-A.
Other names: c.-23+901C>T (NM_001164759.1); c.-23+836C>T (NM_001164758.2); c.-23+456C>T (NM_001164760.2); short protein forms A12T.
Identifiers: ClinVar variation 4812146 (VCV004812146.1).